The following is an entry in ClinVar:

NM_001378454.1(ALMS1):c.5274C>A (p.Phe1758Leu)

Gene: ALMS1 (ALMS1 centrosome and basal body associated protein; plus strand). Cytogenetic location: 2p13.1.
Variant type: single nucleotide variant.
Coding change: c.5274C>A on transcript NM_001378454.1 (MANE Select); coding-DNA position 5274, C replaced by A.
Protein change: p.Phe1758Leu; replaces phenylalanine 1758 with leucine.
Molecular consequence: missense variant.
Genome position (GRCh38, 1-based): chr2:73,451,801, C>A. VCF-style: chr2-73451801-C-A. GRCh37 (hg19) VCF-style: chr2-73678928-C-A.
Other names: c.5277C>A, p.Phe1759Leu (NM_015120.4); short protein forms F1759L, F1758L.
Identifiers: ClinVar variation 1428603 (VCV001428603.3), dbSNP rs2103785773, ClinGen allele CA347280635.

ClinVar aggregate classification (germline): Uncertain significance (1 of 4 stars; one submission).

Conditions:
Alstrom syndrome (ALMS). Identifiers: Orphanet 64, MedGen C0268425, MONDO:0008763, OMIM 203800.

gnomAD v4.1: 1 of 1,614,110 alleles (0.000062%); highest among the groups gnomAD compares: Non-Finnish European, 0.000085%; no homozygotes.

Submission:

Labcorp Genetics (formerly Invitae), Labcorp
Classification: Uncertain significance for Alstrom syndrome. Last evaluated: 2021-04-16. Review status: criteria provided, single submitter. Criteria: Invitae Variant Classification Sherloc (09022015). Collection method: clinical testing. Allele origin: germline.
Comment: This sequence change replaces phenylalanine with leucine at codon 1759 of the ALMS1 protein (p.Phe1759Leu). The phenylalanine residue is weakly conserved and there is a small physicochemical difference between phenylalanine and leucine. This variant is not present in population databases (ExAC no frequency). This variant has not been reported in the literature in individuals with ALMS1-related conditions. Experimental studies and prediction algorithms are not available or were not evaluated, and the functional significance of this variant is currently unknown. In summary, the available evidence is currently insufficient to determine the role of this variant in disease. Therefore, it has been classified as a Variant of Uncertain Significance.